The following is an entry in ClinVar:

ClinVar aggregate classification (germline): Uncertain significance. Review status: criteria provided, multiple submitters, no conflicts (2 of 4 stars). 2 submissions from 2 submitters: Uncertain significance (2). Last evaluated 2025-03-01.

Conditions:
Wilms tumor 1 (WT1). Also called: Wilms tumor, somatic. Identifiers: Orphanet 654, MedGen CN033288, MONDO:0008679, OMIM 194070.
11p partial monosomy syndrome (WAGR). Also called: WAGR syndrome; CHROMOSOME 11p13 DELETION SYNDROME; WAGR Complex; WAGR Spectrum Disorder. Identifiers: Orphanet 893, MedGen C0206115, MONDO:0008681, OMIM 194072.
Frasier syndrome. Identifiers: Orphanet 347, MedGen C0950122, MeSH D052159, MONDO:0007635, OMIM 136680.
Drash syndrome (DDS). Also called: WILMS TUMOR AND PSEUDO- OR TRUE HERMAPHRODITISM; NEPHROPATHY, WILMS TUMOR, AND GENITAL ANOMALIES. Identifiers: Orphanet 220, MedGen C0950121, MONDO:0008682, OMIM 194080.
Inborn genetic diseases. Identifiers: MedGen C0950123, MeSH D030342.

Submissions (2):

Ambry Genetics
Classification: Uncertain significance for Inborn genetic diseases. Last evaluated: 2025-03-01. Review status: criteria provided, single submitter. Criteria: Ambry Variant Classification Scheme 2023. Collection method: clinical testing. Allele origin: germline.
Comment: The p.N293S variant (also known as c.878A>G), located in coding exon 4 of the WT1 gene, results from an A to G substitution at nucleotide position 878. The asparagine at codon 293 is replaced by serine, an amino acid with highly similar properties. This amino acid position is conserved. In addition, this alteration is predicted to be tolerated by in silico analysis. Based on the available evidence, the clinical significance of this variant remains unclear.

Labcorp Genetics (formerly Invitae), Labcorp
Classification: Uncertain significance for Wilms tumor 1; Drash syndrome; 11p partial monosomy syndrome; Frasier syndrome. Last evaluated: 2023-09-26. Review status: criteria provided, single submitter. Criteria: Invitae Variant Classification Sherloc (09022015). Collection method: clinical testing. Allele origin: germline.
Comment: This sequence change replaces asparagine, which is neutral and polar, with serine, which is neutral and polar, at codon 293 of the WT1 protein (p.Asn293Ser). This variant is not present in population databases (gnomAD no frequency). This variant has not been reported in the literature in individuals affected with WT1-related conditions. ClinVar contains an entry for this variant (Variation ID: 1019245). An algorithm developed to predict the effect of missense changes on protein structure and function (PolyPhen-2) suggests that this variant is likely to be tolerated. In summary, the available evidence is currently insufficient to determine the role of this variant in disease. Therefore, it has been classified as a Variant of Uncertain Significance.

NM_024426.6(WT1):c.893A>G (p.Asn298Ser)

Gene: WT1 (WT1 transcription factor; minus strand). Cytogenetic location: 11p13.
Variant type: single nucleotide variant.
Coding change: c.893A>G on transcript NM_024426.6 (MANE Select); coding-DNA position 893, A replaced by G.
Protein change: p.Asn298Ser; replaces asparagine 298 with serine.
Molecular consequence: missense variant. On other transcripts: non-coding transcript variant (1).
Genome position (GRCh38, 1-based): chr11:32,417,649, T>C on the plus strand (A>G on the coding strand, the complement: WT1 is on the minus strand). VCF-style: chr11-32417649-T-C. GRCh37 (hg19) VCF-style: chr11-32439195-T-C.
Other names: c.893A>G, p.Asn298Ser (NM_000378.6, NM_001407044.1, NM_001407045.1 and 4 more transcripts); c.242A>G, p.Asn81Ser (NM_001198551.2, NM_001198552.2); c.770A>G, p.Asn257Ser (NM_001407047.1, NM_001407050.1); c.131A>G, p.Asn44Ser (NM_001407051.1); c.878A>G, p.Asn293Ser (NM_024425.2); c.878A>G (NM_024426.4); short protein forms N298S, N81S, N257S, N44S, N293S.
Identifiers: ClinVar variation 1019245 (VCV001019245.9), dbSNP rs907964605, ClinGen allele CA219496227.